The following is an entry in ClinVar:

ClinVar aggregate classification (germline): Conflicting classifications of pathogenicity. Review status: criteria provided, conflicting classifications (1 of 4 stars). 3 submissions from 3 submitters: Uncertain significance (2); Likely benign (1). Last evaluated 2025-08-07.

Conditions:
ALG9 congenital disorder of glycosylation (CDG1L). Also called: ALG9-CDG; CONGENITAL DISORDER OF GLYCOSYLATION, TYPE Il; CDG Il. Identifiers: Orphanet 79328, MedGen C2931006, MONDO:0012117, OMIM 608776.
ALG9-related disorder. Also called: ALG9-related condition.

Allele frequency attached by ClinVar (database versions not stated): gnomAD exomes 0.00046 and 0.00066; TOPMed 0.00059; gnomAD 0.00074 and 0.00077; ExAC 0.00085.
gnomAD v4.1: 260 of 466,960 alleles (0.056%); highest among the groups gnomAD compares: Admixed American, 0.15%; 1 homozygote.

Submissions (3):

PreventionGenetics, part of Exact Sciences
Classification: Likely benign for ALG9-related condition. Last evaluated: 2025-08-07. Review status: criteria provided, single submitter. Criteria: ACMG Guidelines, 2015. Collection method: clinical testing. Allele origin: germline.
Comment: This variant is classified as likely benign based on ACMG/AMP sequence variant interpretation guidelines (Richards et al. 2015 PMID: 25741868, with internal and published modifications).

Illumina Laboratory Services, Illumina
Classification: Uncertain significance for ALG9 congenital disorder of glycosylation. Last evaluated: 2018-01-15. Review status: criteria provided, single submitter. Criteria: ICSL Variant Classification Criteria 13 December 2019. Collection method: clinical testing. Allele origin: germline.

Breakthrough Genomics
Classification: Uncertain significance. Review status: criteria provided, single submitter. Criteria: ACMG Guidelines, 2015. Collection method: not provided. Allele origin: germline. Inheritance: Autosomal recessive inheritance. Affected: yes.

NM_024740.2(ALG9):c.*314G>A

Gene: ALG9 (ALG9 alpha-1,2-mannosyltransferase; minus strand). Cytogenetic location: 11q23.1.
Variant type: single nucleotide variant.
Coding change: c.*314G>A on transcript NM_024740.2 (MANE Select); 314 bases downstream of the stop codon, G replaced by A.
Molecular consequence: 3 prime UTR variant. On other transcripts: missense variant (4), non-coding transcript variant (1).
Genome position (GRCh38, 1-based): chr11:111,786,083, C>T on the plus strand (G>A on the coding strand, the complement: ALG9 is on the minus strand). VCF-style: chr11-111786083-C-T. GRCh37 (hg19) VCF-style: chr11-111656807-C-T.
Other names: c.*314G>A (NM_001077690.1, NM_001077691.2, NM_001077692.2 and 9 more transcripts); c.1330G>A, p.Ala444Thr (NM_001352415.1, NM_001352416.1); c.1843G>A, p.Ala615Thr (NM_001352417.1); c.1351G>A, p.Ala451Thr (NM_001352419.1); c.*443G>A (NM_001352420.2); c.*437G>A (NM_001352421.2); short protein forms A444T, A451T, A615T.
Identifiers: ClinVar variation 878371 (VCV000878371.6), dbSNP rs781928817, ClinGen allele CA6274278.